The following is an entry in ClinVar:

NM_003190.5(TAPBP):c.1284G>A (p.Lys428=)

Gene: TAPBP (TAP binding protein; minus strand). Cytogenetic location: 6p21.32.
Variant type: single nucleotide variant.
Coding change: c.1284G>A on transcript NM_003190.5 (MANE Select); coding-DNA position 1284, G replaced by A.
Protein change: p.Lys428=; no amino-acid change (lysine 428 retained).
Molecular consequence: synonymous variant.
Genome position (GRCh38, 1-based): chr6:33,304,144, C>T on the plus strand (G>A on the coding strand, the complement: TAPBP is on the minus strand). VCF-style: chr6-33304144-C-T. GRCh37 (hg19) VCF-style: chr6-33271921-C-T.
Other names: c.1284G>A, p.Lys428= (NM_172208.3); c.1023G>A, p.Lys341= (NM_172209.3).
Identifiers: ClinVar variation 730560 (VCV000730560.11), dbSNP rs148137345, ClinGen allele CA3755672.

ClinVar aggregate classification (germline): Benign/Likely benign. Review status: criteria provided, multiple submitters, no conflicts (2 of 4 stars). 3 submissions from 3 submitters: Benign (1); Likely benign (1). 1 of the submissions does not count toward it. Last evaluated 2025-06-04.

Conditions:
TAPBP-related disorder. Also called: TAPBP-related condition.
MHC class I deficiency. Identifiers: Orphanet 34592, MedGen C6024714, MONDO:0011476.

Allele frequency attached by ClinVar (database versions not stated): gnomAD exomes 0.00004 and 0.00022; ExAC 0.00027; gnomAD 0.00064 and 0.00067; TOPMed 0.00068; ESP Exome Variant Server 0.00085; 1000 Genomes Project 0.00140; 1000 Genomes Project 30x 0.00141.
gnomAD v4.1: 162 of 1,613,276 alleles (0.01%); highest among the groups gnomAD compares: African/African-American, 0.2%; 1 homozygote.

Submissions (3):

Labcorp Genetics (formerly Invitae), Labcorp
Classification: Benign for MHC class I deficiency 1. Last evaluated: 2025-06-04. Review status: criteria provided, single submitter. Criteria: Invitae Variant Classification Sherloc (09022015). Collection method: clinical testing. Allele origin: germline.

Blueprint Genetics
Classification: Likely benign. Last evaluated: 2023-12-04. Review status: criteria provided, single submitter. Criteria: ACMG Guidelines, 2015. Collection method: clinical testing. Allele origin: germline.

PreventionGenetics, part of Exact Sciences
Classification: Likely benign for TAPBP-related condition. Last evaluated: 2021-02-15. Review status: no assertion criteria provided. Collection method: clinical testing. Allele origin: germline. Not counted in ClinVar's aggregate classification.
Comment: This variant is classified as likely benign based on ACMG/AMP sequence variant interpretation guidelines (Richards et al. 2015 PMID: 25741868, with internal and published modifications).